The following is an entry in ClinVar:

ClinVar aggregate classification (germline): Uncertain significance (1 of 4 stars; one submission).

Submission:

GeneDx
Classification: Uncertain significance. Last evaluated: 2023-12-14. Review status: criteria provided, single submitter. Criteria: GeneDx Variant Classification Process June 2021. Collection method: clinical testing. Allele origin: germline. Affected: yes.
Comment: Not observed at significant frequency in large population cohorts (gnomAD); In silico analysis supports that this missense variant does not alter protein structure/function; Has not been previously published as pathogenic or benign to our knowledge

NM_139058.3(ARX):c.584C>T (p.Pro195Leu)

Gene: ARX (aristaless related homeobox; minus strand). Cytogenetic location: Xp21.3.
Variant type: single nucleotide variant.
Coding change: c.584C>T on transcript NM_139058.3 (MANE Select); coding-DNA position 584, C replaced by T.
Protein change: p.Pro195Leu; replaces proline 195 with leucine.
Molecular consequence: missense variant.
Genome position (GRCh38, 1-based): chrX:25,013,411, G>A on the plus strand (C>T on the coding strand, the complement: ARX is on the minus strand). VCF-style: chrX-25013411-G-A. GRCh37 (hg19) VCF-style: chrX-25031528-G-A.
Other names: short protein forms P195L.
Identifiers: ClinVar variation 3338763 (VCV003338763.1).